The following is an entry in ClinVar:

ClinVar aggregate classification (germline): Uncertain significance. Review status: criteria provided, multiple submitters, no conflicts (2 of 4 stars). 2 submissions from 2 submitters: Uncertain significance (2). Last evaluated 2025-03-19.

Conditions:
Chromosome 2q32-q33 deletion syndrome (GLASS). Also called: 2q33.1 deletion syndrome; Glass syndrome. Identifiers: Orphanet 251019, MedGen C2676739, MONDO:0012864, OMIM 612313.

Allele frequency attached by ClinVar (database versions not stated): gnomAD exomes below 0.00001; ExAC 0.00001; TOPMed 0.00002.
gnomAD v4.1: 1 of 1,614,138 alleles (0.000062%); highest among the groups gnomAD compares: African/African-American, 0.0013%; no homozygotes.

Submissions (2):

Labcorp Genetics (formerly Invitae), Labcorp
Classification: Uncertain significance for Chromosome 2q32-q33 deletion syndrome. Last evaluated: 2025-03-19. Review status: criteria provided, single submitter. Criteria: Invitae Variant Classification Sherloc (09022015). Collection method: clinical testing. Allele origin: germline.
Comment: This sequence change replaces valine, which is neutral and non-polar, with alanine, which is neutral and non-polar, at codon 149 of the SATB2 protein (p.Val149Ala). This variant is present in population databases (rs765278258, gnomAD 0.007%). This variant has not been reported in the literature in individuals affected with SATB2-related conditions. ClinVar contains an entry for this variant (Variation ID: 1313509). Invitae Evidence Modeling of protein sequence and biophysical properties (such as structural, functional, and spatial information, amino acid conservation, physicochemical variation, residue mobility, and thermodynamic stability) indicates that this missense variant is not expected to disrupt SATB2 protein function with a negative predictive value of 80%. In summary, the available evidence is currently insufficient to determine the role of this variant in disease. Therefore, it has been classified as a Variant of Uncertain Significance.

GeneDx
Classification: Uncertain significance. Last evaluated: 2020-11-02. Review status: criteria provided, single submitter. Criteria: GeneDx Variant Classification Process June 2021. Collection method: clinical testing. Allele origin: germline. Affected: yes.
Comment: In silico analysis supports that this missense variant has a deleterious effect on protein structure/function; Has not been previously published as pathogenic or benign to our knowledge

NM_001172509.2(SATB2):c.446T>C (p.Val149Ala)

Gene: SATB2 (SATB homeobox 2; minus strand). Cytogenetic location: 2q33.1.
Variant type: single nucleotide variant.
Coding change: c.446T>C on transcript NM_001172509.2 (MANE Select); coding-DNA position 446, T replaced by C.
Protein change: p.Val149Ala; replaces valine 149 with alanine.
Molecular consequence: missense variant.
Genome position (GRCh38, 1-based): chr2:199,381,721, A>G on the plus strand (T>C on the coding strand, the complement: SATB2 is on the minus strand). VCF-style: chr2-199381721-A-G. GRCh37 (hg19) VCF-style: chr2-200246444-A-G.
Other names: c.446T>C, p.Val149Ala (NM_001172517.1, NM_015265.4); short protein forms V149A.
Identifiers: ClinVar variation 1313509 (VCV001313509.3), dbSNP rs765278258, ClinGen allele CA2046085.